The following is an entry in ClinVar:

ClinVar aggregate classification (germline): Uncertain significance (1 of 4 stars; one submission).

Allele frequency attached by ClinVar (database versions not stated): gnomAD exomes below 0.00001; TOPMed below 0.00001; ExAC 0.00001.
gnomAD v4.1: 5 of 1,614,184 alleles (0.00031%); highest among the groups gnomAD compares: Admixed American, 0.0033%; no homozygotes.

Submission:

Labcorp Genetics (formerly Invitae), Labcorp
Classification: Uncertain significance. Last evaluated: 2022-12-20. Review status: criteria provided, single submitter. Criteria: Invitae Variant Classification Sherloc (09022015). Collection method: clinical testing. Allele origin: germline.
Comment: This variant is present in population databases (rs768089730, gnomAD 0.006%). In summary, the available evidence is currently insufficient to determine the role of this variant in disease. Therefore, it has been classified as a Variant of Uncertain Significance. Algorithms developed to predict the effect of missense changes on protein structure and function (SIFT, PolyPhen-2, Align-GVGD) all suggest that this variant is likely to be tolerated. This variant has not been reported in the literature in individuals affected with TAOK2-related conditions. This sequence change replaces isoleucine, which is neutral and non-polar, with valine, which is neutral and non-polar, at codon 175 of the TAOK2 protein (p.Ile175Val).

NM_016151.4(TAOK2):c.523A>G (p.Ile175Val)

Gene: TAOK2 (TAO kinase 2; plus strand). Cytogenetic location: 16p11.2.
Variant type: single nucleotide variant.
Coding change: c.523A>G on transcript NM_016151.4 (MANE Select); coding-DNA position 523, A replaced by G.
Protein change: p.Ile175Val; replaces isoleucine 175 with valine.
Molecular consequence: missense variant.
Genome position (GRCh38, 1-based): chr16:29,979,268, A>G. VCF-style: chr16-29979268-A-G. GRCh37 (hg19) VCF-style: chr16-29990589-A-G.
Other names: c.523A>G, p.Ile175Val (NM_001252043.2, NM_004783.4); short protein forms I175V.
Identifiers: ClinVar variation 2789252 (VCV002789252.3), dbSNP rs768089730, ClinGen allele CA7997831.
Genomic context (GRCh38, chr16:29,979,268, plus strand): 5'-GGAAACATCCTGCTGTCAGAGCCAGGGTTAGTGAAGCTAGGGGACTTTGGTTCTGCGTCC[A>G]TCATGGCACCTGCCAACTCCTTCGTGGGCACCCCATACTGGTGAGTGAGTGAGTGGTGGT-3'
Protein context (NP_057235.2, residues 165-185): VKLGDFGSAS[Ile175Val]MAPANSFVGT